The following is an entry in ClinVar:

NM_020066.5(FMN2):c.4154-7dup

Gene: FMN2 (formin 2; plus strand). Cytogenetic location: 1q43.
Variant type: Duplication.
Coding change: c.4154-7dup on transcript NM_020066.5 (MANE Select); 7 bases into the intron before coding-DNA position 4154, one base duplicated (T; older notation c.4154-7dupT).
Molecular consequence: intron variant.
Genome position (GRCh38, 1-based): chr1:240,294,815, T duplicated; the last of 8 consecutive T bases (chr1:240,294,808-240,294,815); duplicating any one gives the same sequence. VCF-style (leftmost placement, unchanged base first): chr1-240294807-C-CT. GRCh37 (hg19) VCF-style: chr1-240458107-C-CT.
Other names: c.4166-7dup (NM_001305424.2); c.2075-7dup (NM_001348094.2).
Identifiers: ClinVar variation 3905062 (VCV003905062.11).
Genomic context (GRCh38, chr1:240,294,807, plus strand): 5'-CCTGCTGCCTGAGATGGTCAAACATCTTTTCACAGGTGGCTTATGGCAATTTATATTCTT[C>CT]TTTTTTTTCCACAGCTGTTGTGAACTTGGATAATTCTGTGGTTGACCTGGAGACCCTTCA-3'

ClinVar aggregate classification (germline): Likely benign. Review status: criteria provided, multiple submitters, no conflicts (2 of 4 stars). 2 submissions from 2 submitters: Likely benign (2). Last evaluated 2026-07-01.

Submissions (2):

CeGaT Center for Human Genetics Tuebingen
Classification: Likely benign. Last evaluated: 2026-07-01. Review status: criteria provided, single submitter. Criteria: CeGaT Center For Human Genetics Tuebingen Variant Classification Criteria Version 2. Collection method: clinical testing. Allele origin: germline. Affected: yes. Observed: 2 variant alleles.
Comment: FMN2: BP4

Blueprint Genetics
Classification: Likely benign. Last evaluated: 2024-11-11. Review status: criteria provided, single submitter. Criteria: ACMG Guidelines, 2015. Collection method: clinical testing. Allele origin: germline.